The following is an entry in ClinVar:

NM_080424.4(SP110):c.542T>G (p.Leu181Arg)

Genes: SP110 (SP110 nuclear body protein; minus strand), SP140 (SP140 nuclear body protein; plus strand). Cytogenetic location: 2q37.1.
Variant type: single nucleotide variant.
Coding change: c.542T>G on transcript NM_080424.4 (MANE Select); coding-DNA position 542, T replaced by G.
Protein change: p.Leu181Arg; replaces leucine 181 with arginine.
Molecular consequence: missense variant.
Genome position (GRCh38, 1-based): chr2:230,212,802, A>C on the plus strand (T>G on the coding strand, the complement: SP110 is on the minus strand). VCF-style: chr2-230212802-A-C. GRCh37 (hg19) VCF-style: chr2-231077517-A-C.
Other names: c.560T>G, p.Leu187Arg (NM_001185015.2, NM_001378442.1, NM_001378444.1 and 2 more transcripts); c.542T>G, p.Leu181Arg (NM_001378443.1, NM_001378447.1, NM_004509.5 and 1 more transcripts); short protein forms L181R, L187R.
Identifiers: ClinVar variation 334915 (VCV000334915.17), dbSNP rs77642505, ClinGen allele CA2154807.

ClinVar aggregate classification (germline): Benign. Review status: criteria provided, multiple submitters, no conflicts (2 of 4 stars). 3 submissions from 3 submitters: Benign (2). 1 of the submissions does not count toward it. Last evaluated 2026-01-26.

Conditions:
SP110-related disorder. Also called: SP110-related condition.
Hepatic veno-occlusive disease-immunodeficiency syndrome. Also called: Hepatic Veno-Occlusive Disease with Immunodeficiency. Identifiers: Orphanet 79124, MedGen C1856128, MONDO:0009338, OMIM 235550. Disease mechanism: loss of function.

Allele frequency attached by ClinVar (database versions not stated): gnomAD exomes 0.00054 and 0.00139; gnomAD 0.00058 and 0.00077; TOPMed 0.00091; ExAC 0.00150; 1000 Genomes Project 0.00379; 1000 Genomes Project 30x 0.00422.
gnomAD v4.1: 941 of 1,614,184 alleles (0.058%); highest among the groups gnomAD compares: East Asian, 1.8%; 9 homozygotes.

Submissions (3):

Labcorp Genetics (formerly Invitae), Labcorp
Classification: Benign for Hepatic veno-occlusive disease-immunodeficiency syndrome. Last evaluated: 2026-01-26. Review status: criteria provided, single submitter. Criteria: Invitae Variant Classification Sherloc (09022015). Collection method: clinical testing. Allele origin: germline.

Illumina Laboratory Services, Illumina
Classification: Benign for Hepatic veno-occlusive disease-immunodeficiency syndrome. Last evaluated: 2018-01-13. Review status: criteria provided, single submitter. Criteria: ICSL Variant Classification Criteria 13 December 2019. Collection method: clinical testing. Allele origin: germline.
Comment: This variant was observed in the ICSL laboratory as part of a predisposition screen in an ostensibly healthy population. It had not been previously curated by ICSL or reported in the Human Gene Mutation Database (HGMD: prior to June 1st, 2018), and was therefore a candidate for classification through an automated scoring system. Utilizing variant allele frequency, disease prevalence and penetrance estimates, and inheritance mode, an automated score was calculated to assess if this variant is too frequent to cause the disease. Based on the score and internal cut-off values, a variant classified as benign is not then subjected to further curation. The score for this variant resulted in a classification of benign for this disease.

PreventionGenetics, part of Exact Sciences
Classification: Benign for SP110-related condition. Last evaluated: 2023-12-15. Review status: no assertion criteria provided. Collection method: clinical testing. Allele origin: germline. Not counted in ClinVar's aggregate classification.
Comment: This variant is classified as benign based on ACMG/AMP sequence variant interpretation guidelines (Richards et al. 2015 PMID: 25741868, with internal and published modifications).